The following is an entry in ClinVar:

ClinVar aggregate classification (germline): Benign. Review status: criteria provided, multiple submitters, no conflicts (2 of 4 stars). 2 submissions from 2 submitters: Benign (2). Last evaluated 2018-06-14.

Allele frequency attached by ClinVar (database versions not stated): gnomAD exomes 0.02263; gnomAD 0.03365 and 0.03394; TOPMed 0.03401; 1000 Genomes Project 0.03754; 1000 Genomes Project 30x 0.03951.
gnomAD v4.1: 22,518 of 913,514 alleles (2.5%); highest among the groups gnomAD compares: African/African-American, 6%; 377 homozygotes.

Submissions (8):

GeneDx
Classification: Benign. Last evaluated: 2018-06-14. Review status: criteria provided, single submitter. Criteria: GeneDx Variant Classification (06012015). Collection method: clinical testing. Allele origin: germline. Affected: yes.
Comment: This variant is considered likely benign or benign based on one or more of the following criteria: it is a conservative change, it occurs at a poorly conserved position in the protein, it is predicted to be benign by multiple in silico algorithms, and/or has population frequency not consistent with disease.

Breakthrough Genomics
Classification: Benign. Review status: criteria provided, single submitter. Criteria: ACMG Guidelines, 2015. Collection method: not provided. Allele origin: germline. Inheritance: Autosomal dominant inheritance. Affected: yes.

Dr. Peter K. Rogan Lab, Western University
No classification provided (evidence only). Condition: Lung cancer. Review status: no classification provided. Collection method: in vitro. Allele origin: not applicable. Functional consequence: retained intron. Not counted in ClinVar's aggregate classification.

Dr. Peter K. Rogan Lab, Western University
No classification provided (evidence only). Condition: Lung cancer. Review status: no classification provided. Collection method: in vitro. Allele origin: not applicable. Functional consequence: retained intron. Not counted in ClinVar's aggregate classification.

Dr. Peter K. Rogan Lab, Western University
No classification provided (evidence only). Condition: Acute myeloid leukemia. Review status: no classification provided. Collection method: in vitro. Allele origin: not applicable. Functional consequence: retained intron. Not counted in ClinVar's aggregate classification.

Dr. Peter K. Rogan Lab, Western University
No classification provided (evidence only). Condition: Cervical cancer. Review status: no classification provided. Collection method: in vitro. Allele origin: not applicable. Functional consequence: retained intron. Not counted in ClinVar's aggregate classification.

Dr. Peter K. Rogan Lab, Western University
No classification provided (evidence only). Condition: Ovarian serous cystadenocarcinoma. Review status: no classification provided. Collection method: in vitro. Allele origin: not applicable. Functional consequence: retained intron. Not counted in ClinVar's aggregate classification.

Dr. Peter K. Rogan Lab, Western University
No classification provided (evidence only). Condition: Malignant tumor of esophagus. Review status: no classification provided. Collection method: in vitro. Allele origin: not applicable. Functional consequence: retained intron. Not counted in ClinVar's aggregate classification.

NM_000093.5(COL5A1):c.3258+150A>G

Gene: COL5A1 (collagen type V alpha 1 chain; plus strand). Cytogenetic location: 9q34.3.
Variant type: single nucleotide variant.
Coding change: c.3258+150A>G on transcript NM_000093.5 (MANE Select); 150 bases into the intron after coding-DNA position 3258, A replaced by G.
Molecular consequence: intron variant.
Genome position (GRCh38, 1-based): chr9:134,805,364, A>G. VCF-style: chr9-134805364-A-G. GRCh37 (hg19) VCF-style: chr9-137697210-A-G.
Other names: NC_000009.11:g.137697210A>G; c.3258+150A>G (NM_001278074.1).
Identifiers: ClinVar variation 674563 (VCV000674563.3), dbSNP rs62571404, ClinGen allele CA201080939.